The following is an entry in ClinVar:

ClinVar aggregate classification (germline): Pathogenic (1 of 4 stars; one submission).

Conditions:
Adenylosuccinate lyase deficiency (ADSLD). Also called: ADSL DEFICIENCY. Identifiers: Orphanet 46, MedGen C0268126, MONDO:0007068, OMIM 103050.

Submission:

Labcorp Genetics (formerly Invitae), Labcorp
Classification: Pathogenic for Adenylosuccinate lyase deficiency. Last evaluated: 2019-10-01. Review status: criteria provided, single submitter. Criteria: Invitae Variant Classification Sherloc (09022015). Collection method: clinical testing. Allele origin: germline.
Comment: A gross deletion of the genomic region encompassing the full coding sequence of the ADSL gene has been identified. The boundaries of this event are unknown as the deletion extends beyond the assayed region for this gene and therefore may encompass additional genes. This variant has not been reported in the literature in individuals with ADSL-related conditions. Loss-of-function variants in ADSL are known to be pathogenic (PMID: 10888601, 20177786). For these reasons, this variant has been classified as Pathogenic.

NC_000022.11:g.(?_40346510)_(40366542_?)del

Gene: ADSL (adenylosuccinate lyase; plus strand). Cytogenetic location: 22q13.1.
Variant type: Deletion.
Identifiers: ClinVar variation 831615 (VCV000831615.1).